The following is an entry in ClinVar:

ClinVar aggregate classification (germline): Uncertain significance. Review status: criteria provided, multiple submitters, no conflicts (2 of 4 stars). 3 submissions from 3 submitters: Uncertain significance (3). Last evaluated 2026-09-09.

Conditions:
COL4A5-related disorder. Also called: COL4A5-related condition.
Inborn genetic diseases. Identifiers: MedGen C0950123, MeSH D030342.

Allele frequency attached by ClinVar (database versions not stated): ExAC 0.00001; gnomAD 0.00005; TOPMed 0.00005.
gnomAD v4.1: 58 of 1,209,518 alleles (0.0048%); highest among the groups gnomAD compares: African/African-American, 0.011%; no homozygotes.

Submissions (3):

PreventionGenetics, part of Exact Sciences
Classification: Uncertain significance for COL4A5-related condition. Last evaluated: 2026-09-09. Review status: criteria provided, single submitter. Criteria: ACMG Guidelines, 2015. Collection method: clinical testing. Allele origin: germline.
Comment: The COL4A5 c.2317C>T variant is predicted to result in the amino acid substitution p.Pro773Ser. To our knowledge, this variant has not been reported in the literature. This variant is reported in 0.0037% of alleles in individuals of European (non-Finnish) descent in gnomAD, including 12 hemizygotes in the larger gnomAD v4.1.0 database. At this time, the clinical significance of this variant is uncertain due to the absence of conclusive functional and genetic evidence.

Labcorp Genetics (formerly Invitae), Labcorp
Classification: Uncertain significance. Last evaluated: 2025-12-24. Review status: criteria provided, single submitter. Criteria: Invitae Variant Classification Sherloc (09022015). Collection method: clinical testing. Allele origin: germline.
Comment: This sequence change replaces proline, which is neutral and non-polar, with serine, which is neutral and polar, at codon 773 of the COL4A5 protein (p.Pro773Ser). This variant is present in population databases (rs755499934, gnomAD 0.003%). This variant has not been reported in the literature in individuals affected with COL4A5-related conditions. ClinVar contains an entry for this variant (Variation ID: 2521060). Invitae Evidence Modeling of protein sequence and biophysical properties (such as structural, functional, and spatial information, amino acid conservation, physicochemical variation, residue mobility, and thermodynamic stability) has been performed for this missense variant. However, the output from this modeling did not meet the statistical confidence thresholds required to predict the impact of this variant on COL4A5 protein function. In summary, the available evidence is currently insufficient to determine the role of this variant in disease. Therefore, it has been classified as a Variant of Uncertain Significance.

Ambry Genetics
Classification: Uncertain significance for Inborn genetic diseases. Last evaluated: 2025-11-05. Review status: criteria provided, single submitter. Criteria: Ambry Variant Classification Scheme 2023. Collection method: clinical testing. Allele origin: germline.
Comment: The c.2317C>T (p.P773S) alteration is located in exon 29 (coding exon 29) of the COL4A5 gene. This alteration results from a C to T substitution at nucleotide position 2317, causing the proline (P) at amino acid position 773 to be replaced by a serine (S). Based on data from gnomAD, the T allele has an overall frequency of 0.002% (3/183165) total alleles studied. The highest observed frequency was 0.004% (3/81636) of European (non-Finnish) alleles. Based on insufficient or conflicting evidence, the clinical significance of this alteration remains unclear.

NM_033380.3(COL4A5):c.2317C>T (p.Pro773Ser)

Gene: COL4A5 (collagen type IV alpha 5 chain; plus strand). Cytogenetic location: Xq22.3.
Variant type: single nucleotide variant.
Coding change: c.2317C>T on transcript NM_033380.3 (MANE Select); coding-DNA position 2317, C replaced by T.
Protein change: p.Pro773Ser; replaces proline 773 with serine.
Molecular consequence: missense variant.
Genome position (GRCh38, 1-based): chrX:108,606,814, C>T. VCF-style: chrX-108606814-C-T. GRCh37 (hg19) VCF-style: chrX-107850044-C-T.
Other names: c.2317C>T, p.Pro773Ser (NM_000495.5); c.2317C>T (NM_000495.4); short protein forms P773S.
Identifiers: ClinVar variation 2521060 (VCV002521060.7), dbSNP rs755499934, ClinGen allele CA10488891.